The following is an entry in ClinVar:

NM_001267550.2(TTN):c.101825C>T (p.Pro33942Leu)

Genes: TTN-AS1 (TTN antisense RNA 1; plus strand), TTN (titin; minus strand). Cytogenetic location: 2q31.2.
Variant type: single nucleotide variant.
Coding change: c.101825C>T on transcript NM_001267550.2 (MANE Select); coding-DNA position 101825, C replaced by T.
Protein change: p.Pro33942Leu; replaces proline 33942 with leucine.
Molecular consequence: missense variant.
Genome position (GRCh38, 1-based): chr2:178,534,790, G>A on the plus strand (C>T on the coding strand, the complement: TTN is on the minus strand). VCF-style: chr2-178534790-G-A. GRCh37 (hg19) VCF-style: chr2-179399517-G-A.
Other names: c.96902C>T, p.Pro32301Leu (NM_001256850.1); c.74630C>T, p.Pro24877Leu (NM_003319.4); c.94121C>T, p.Pro31374Leu (NM_133378.4); c.75005C>T, p.Pro25002Leu (NM_133432.3); c.75206C>T, p.Pro25069Leu (NM_133437.4); short protein forms P24877L, P25002L, P25069L, P31374L, P32301L, P33942L.
Identifiers: ClinVar variation 3763024 (VCV003763024.2).

ClinVar aggregate classification (germline): Uncertain significance (1 of 4 stars; one submission).

Conditions:
Autosomal recessive limb-girdle muscular dystrophy type 2J (LGMDR10). Also called: Limb-girdle muscular dystrophy, type 2J; MUSCULAR DYSTROPHY, LIMB-GIRDLE, AUTOSOMAL RECESSIVE 10. Identifiers: Orphanet 140922, MedGen C1837342, MONDO:0012127, OMIM 608807.
Dilated cardiomyopathy 1G (CMD1G). Identifiers: Orphanet 154, MedGen C1858763, MONDO:0011400, OMIM 604145.

Submission:

Labcorp Genetics (formerly Invitae), Labcorp
Classification: Uncertain significance for Dilated cardiomyopathy 1G; Autosomal recessive limb-girdle muscular dystrophy type 2J. Last evaluated: 2024-07-08. Review status: criteria provided, single submitter. Criteria: Invitae Variant Classification Sherloc (09022015). Collection method: clinical testing. Allele origin: germline.
Comment: This sequence change replaces proline, which is neutral and non-polar, with leucine, which is neutral and non-polar, at codon 33942 of the TTN protein (p.Pro33942Leu). This variant is not present in population databases (gnomAD no frequency). This variant has not been reported in the literature in individuals affected with TTN-related conditions. Experimental studies and prediction algorithms are not available or were not evaluated, and the functional significance of this variant is currently unknown. This variant is located in the M band of TTN (PMID: 25589632). Non-truncating variants in this region may be relevant for neuromuscular disorders, but have not been definitively shown to cause cardiomyopathy (PMID: 23975875). In summary, the available evidence is currently insufficient to determine the role of this variant in disease. Therefore, it has been classified as a Variant of Uncertain Significance.

Literature cited by the submitters: PubMed 25589632; PubMed 23975875.